The following is an entry in ClinVar:

NM_006922.4(SCN3A):c.1424T>A (p.Ile475Lys)

Gene: SCN3A (sodium voltage-gated channel alpha subunit 3; minus strand). Cytogenetic location: 2q24.3.
Variant type: single nucleotide variant.
Coding change: c.1424T>A on transcript NM_006922.4 (MANE Select); coding-DNA position 1424, T replaced by A.
Protein change: p.Ile475Lys; replaces isoleucine 475 with lysine.
Molecular consequence: missense variant.
Genome position (GRCh38, 1-based): chr2:165,146,986, A>T on the plus strand (T>A on the coding strand, the complement: SCN3A is on the minus strand). VCF-style: chr2-165146986-A-T. GRCh37 (hg19) VCF-style: chr2-166003496-A-T.
Other names: c.1424T>A (NM_006922.3); c.1424T>A, p.Ile475Lys (NM_001081676.2, NM_001081677.2); short protein forms I475K.
Identifiers: ClinVar variation 2880419 (VCV002880419.4), dbSNP rs2468364553, ClinGen allele CA349236849.

ClinVar aggregate classification (germline): Uncertain significance. Review status: criteria provided, multiple submitters, no conflicts (2 of 4 stars). 2 submissions from 2 submitters: Uncertain significance (2). Last evaluated 2024-10-24.

Conditions:
Inborn genetic diseases. Identifiers: MedGen C0950123, MeSH D030342.

Submissions (2):

Ambry Genetics
Classification: Uncertain significance for Inborn genetic diseases. Last evaluated: 2024-10-24. Review status: criteria provided, single submitter. Criteria: Ambry Variant Classification Scheme 2023. Collection method: clinical testing. Allele origin: germline.

Labcorp Genetics (formerly Invitae), Labcorp
Classification: Uncertain significance. Last evaluated: 2023-02-21. Review status: criteria provided, single submitter. Criteria: Invitae Variant Classification Sherloc (09022015). Collection method: clinical testing. Allele origin: germline.
Comment: Advanced modeling of protein sequence and biophysical properties (such as structural, functional, and spatial information, amino acid conservation, physicochemical variation, residue mobility, and thermodynamic stability) performed at Invitae indicates that this missense variant is not expected to disrupt SCN3A protein function. This variant has not been reported in the literature in individuals affected with SCN3A-related conditions. This variant is not present in population databases (gnomAD no frequency). This sequence change replaces isoleucine, which is neutral and non-polar, with lysine, which is basic and polar, at codon 475 of the SCN3A protein (p.Ile475Lys). In summary, the available evidence is currently insufficient to determine the role of this variant in disease. Therefore, it has been classified as a Variant of Uncertain Significance.